The following is an entry in ClinVar:

ClinVar aggregate classification (germline): Uncertain significance (1 of 4 stars; one submission).

Conditions:
Familial thoracic aortic aneurysm and aortic dissection (TAAD). Also called: Thoracic aortic aneurysms and dissections. Identifiers: Orphanet 91387, MedGen C4707243, MONDO:0019625.

Submission:

Color Diagnostics, LLC DBA Color Health
Classification: Uncertain significance for Familial thoracic aortic aneurysm and aortic dissection. Last evaluated: 2023-12-05. Review status: criteria provided, single submitter. Criteria: ACMG Guidelines, 2015. Collection method: clinical testing. Allele origin: germline.
Comment: Variant of Uncertain Significance due to insufficient evidence: This missense variant is located in the calcium-binding EGF-like motif 32 of the FBN1 protein. Computational prediction tools and conservation analyses suggest that this variant may have deleterious impact on the protein function. Computational splicing tools suggest that this variant may not impact RNA splicing. To our knowledge, functional assays have not been performed for this variant nor has this variant been reported in individuals affected with cardiovascular disorders in the literature. This variant is rare in the general population and has been identified in 0/277264 chromosomes by the Genome Aggregation Database (gnomAD). Available evidence is insufficient to determine the pathogenicity of this variant conclusively.

NM_000138.5(FBN1):c.5716C>G (p.Arg1906Gly)

Gene: FBN1 (fibrillin 1; minus strand). Cytogenetic location: 15q21.1.
Variant type: single nucleotide variant.
Coding change: c.5716C>G on transcript NM_000138.5 (MANE Select); coding-DNA position 5716, C replaced by G.
Protein change: p.Arg1906Gly; replaces arginine 1906 with glycine.
Molecular consequence: missense variant.
Genome position (GRCh38, 1-based): chr15:48,446,778, G>C on the plus strand (C>G on the coding strand, the complement: FBN1 is on the minus strand). VCF-style: chr15-48446778-G-C. GRCh37 (hg19) VCF-style: chr15-48738975-G-C.
Other names: short protein forms R1906G.
Identifiers: ClinVar variation 629678 (VCV000629678.4), dbSNP rs746343138, ClinGen allele CA392341300.